The following is an entry in ClinVar:

NM_017514.5(PLXNA3):c.720G>A (p.Thr240=)

Gene: PLXNA3 (plexin A3; plus strand). Cytogenetic location: Xq28.
Variant type: single nucleotide variant.
Coding change: c.720G>A on transcript NM_017514.5 (MANE Select); coding-DNA position 720, G replaced by A.
Protein change: p.Thr240=; no amino-acid change (threonine 240 retained).
Molecular consequence: synonymous variant.
Genome position (GRCh38, 1-based): chrX:154,461,224, G>A. VCF-style: chrX-154461224-G-A. GRCh37 (hg19) VCF-style: chrX-153689564-G-A.
Identifiers: ClinVar variation 3037090 (VCV003037090.2), dbSNP rs782436479, ClinGen allele CA10563791.

ClinVar aggregate classification (germline): Likely benign (0 of 4 stars; one submission).

Conditions:
PLXNA3-related disorder. Also called: PLXNA3-related condition.

Allele frequency attached by ClinVar (database versions not stated): gnomAD 0.00004; gnomAD exomes 0.00004; TOPMed 0.00006; ExAC 0.00013.

Submission:

PreventionGenetics, part of Exact Sciences
Classification: Likely benign for PLXNA3-related condition. Last evaluated: 2021-10-15. Review status: no assertion criteria provided. Collection method: clinical testing. Allele origin: germline.
Comment: This variant is classified as likely benign based on ACMG/AMP sequence variant interpretation guidelines (Richards et al. 2015 PMID: 25741868, with internal and published modifications).